The following is an entry in ClinVar:

NM_014915.3(ANKRD26):c.531+9C>G

Gene: ANKRD26 (ankyrin repeat domain 26; minus strand). Cytogenetic location: 10p12.1.
Variant type: single nucleotide variant.
Coding change: c.531+9C>G on transcript NM_014915.3 (MANE Select); 9 bases into the intron after coding-DNA position 531, C replaced by G.
Molecular consequence: intron variant.
Genome position (GRCh38, 1-based): chr10:27,093,340, G>C on the plus strand (C>G on the coding strand, the complement: ANKRD26 is on the minus strand). VCF-style: chr10-27093340-G-C. GRCh37 (hg19) VCF-style: chr10-27382269-G-C.
Other names: p.?; c.531+9C>G (NM_001256053.2).
Identifiers: ClinVar variation 877329 (VCV000877329.14), dbSNP rs142574680, ClinGen allele CA5448917.

ClinVar aggregate classification (germline): Benign/Likely benign. Review status: criteria provided, multiple submitters, no conflicts (2 of 4 stars). 6 submissions from 6 submitters: Benign (5); Likely benign (1). Last evaluated 2026-01-24.

Conditions:
Thrombocytopenia 2 (THC2). Also called: ANKRD26-Related Thrombocytopenia. Identifiers: Orphanet 268322, MedGen C1861185, MONDO:0008555, OMIM 188000.

Allele frequency attached by ClinVar (database versions not stated): gnomAD 0.00026 and 0.00042; gnomAD exomes 0.00039 and 0.00106; TOPMed 0.00060; ExAC 0.00109; 1000 Genomes Project 30x 0.00219; 1000 Genomes Project 0.00260.
gnomAD v4.1: 643 of 1,612,136 alleles (0.04%); highest among the groups gnomAD compares: East Asian, 1.3%; 2 homozygotes.

Submissions (6):

Labcorp Genetics (formerly Invitae), Labcorp
Classification: Benign. Last evaluated: 2026-01-24. Review status: criteria provided, single submitter. Criteria: Invitae Variant Classification Sherloc (09022015). Collection method: clinical testing. Allele origin: germline.

Mayo Clinic Laboratories, Mayo Clinic
Classification: Benign. Last evaluated: 2025-08-25. Review status: criteria provided, single submitter. Criteria: ACMG Guidelines, 2015. Collection method: clinical testing. Allele origin: germline. Observed: 1 variant allele.
Comment: BS1, BS2, BP4, BP7

Blueprint Genetics
Classification: Likely benign. Last evaluated: 2024-11-19. Review status: criteria provided, single submitter. Criteria: ACMG Guidelines, 2015. Collection method: clinical testing. Allele origin: germline.

Genome-Nilou Lab
Classification: Benign for Thrombocytopenia 2. Last evaluated: 2021-12-05. Review status: criteria provided, single submitter. Criteria: ACMG Guidelines, 2015. Collection method: clinical testing. Allele origin: germline. Affected: no.

Genetic Services Laboratory, University of Chicago
Classification: Benign. Last evaluated: 2019-04-20. Review status: criteria provided, single submitter. Criteria: ACMG Guidelines, 2015. Collection method: clinical testing. Allele origin: germline. Affected: no.

Illumina Laboratory Services, Illumina
Classification: Benign for Thrombocytopenia 2. Last evaluated: 2018-01-13. Review status: criteria provided, single submitter. Criteria: ICSL Variant Classification Criteria 13 December 2019. Collection method: clinical testing. Allele origin: germline.
Comment: This variant was observed in the ICSL laboratory as part of a predisposition screen in an ostensibly healthy population. It had not been previously curated by ICSL or reported in the Human Gene Mutation Database (HGMD: prior to June 1st, 2018), and was therefore a candidate for classification through an automated scoring system. Utilizing variant allele frequency, disease prevalence and penetrance estimates, and inheritance mode, an automated score was calculated to assess if this variant is too frequent to cause the disease. Based on the score and internal cut-off values, a variant classified as benign is not then subjected to further curation. The score for this variant resulted in a classification of benign for this disease.